The following is an entry in ClinVar:

NM_006796.3(AFG3L2):c.1385C>T (p.Ala462Val)

Gene: AFG3L2 (AFG3 like matrix AAA peptidase subunit 2; minus strand). Cytogenetic location: 18p11.21.
Variant type: single nucleotide variant.
Coding change: c.1385C>T on transcript NM_006796.3 (MANE Select); coding-DNA position 1385, C replaced by T.
Protein change: p.Ala462Val; replaces alanine 462 with valine.
Molecular consequence: missense variant.
Genome position (GRCh38, 1-based): chr18:12,351,347, G>A on the plus strand (C>T on the coding strand, the complement: AFG3L2 is on the minus strand). VCF-style: chr18-12351347-G-A. GRCh37 (hg19) VCF-style: chr18-12351346-G-A.
Other names: c.1385C>T (NM_006796.2); short protein forms A462V.
Identifiers: ClinVar variation 546814 (VCV000546814.49), dbSNP rs912546325, ClinGen allele CA296701043.

ClinVar aggregate classification (germline): Conflicting classifications of pathogenicity. Review status: criteria provided, conflicting classifications (1 of 4 stars). 6 submissions from 5 submitters: Likely pathogenic (2); Uncertain significance (1). 3 of the submissions do not count toward it. Last evaluated 2024-12-05.

Conditions:
Optic atrophy 12. Also called: Optic Atrophy Type 12 (OPA12). Identifiers: MedGen C5436534, MONDO:0033549, OMIM 618977.
Spastic ataxia 5. Also called: Spastic Ataxia Type 5 (SPAX5). Identifiers: Orphanet 313772, MedGen C3280977, MONDO:0013776, OMIM 614487.
Optic atrophy. Identifiers: MedGen C0029124, MONDO:0003608, HP:0000648.
Spinocerebellar ataxia type 28 (SCA28). Also called: Spinocerebellar Ataxia Type 28 (SCA28). Identifiers: Orphanet 101109, MedGen C1853249, MONDO:0012450, OMIM 610246.

Allele frequency attached by ClinVar (database versions not stated): gnomAD exomes below 0.00001; gnomAD 0.00001.
gnomAD v4.1: 2 of 1,614,012 alleles (0.00012%); highest among the groups gnomAD compares: African/African-American, 0.0013%; no homozygotes.

Submissions (6):

GeneDx
Classification: Likely pathogenic. Last evaluated: 2024-12-05. Review status: criteria provided, single submitter. Criteria: GeneDx Variant Classification Process June 2021. Collection method: clinical testing. Allele origin: germline. Affected: yes.
Comment: Published functional studies demonstrate a damaging effect, as variant p.(A462V) significantly affects dislocase activity and proteolytic competence of AFG3L2 (PMID: 32219868); Not observed at significant frequency in large population cohorts (gnomAD); In silico analysis supports that this missense variant has a deleterious effect on protein structure/function; This variant is associated with the following publications: (PMID: 32219868)

Kariminejad - Najmabadi Pathology & Genetics Center
Classification: Likely pathogenic for Spinocerebellar ataxia type 28. Last evaluated: 2024-07-19. Review status: criteria provided, single submitter. Criteria: ACMG Guidelines, 2015. Collection method: clinical testing. Allele origin: germline. Inheritance: Autosomal dominant inheritance. Affected: yes.
Comment: (PM2_Supporting, PM1, PP5, PS3_Supporting, PP3)

CeGaT Center for Human Genetics Tuebingen
Classification: Uncertain significance. Last evaluated: 2018-06-01. Review status: criteria provided, single submitter. Criteria: CeGaT Center For Human Genetics Tuebingen Variant Classification Criteria Version 2. Collection method: clinical testing. Allele origin: germline. Affected: yes. Observed: 2 variant alleles.

OMIM
Classification: Pathogenic for OPTIC ATROPHY 12. Last evaluated: 2020-08-13. Review status: no assertion criteria provided. Collection method: literature only. Allele origin: germline. Not counted in ClinVar's aggregate classification.

OMIM
Classification: Pathogenic for SPASTIC ATAXIA 5, AUTOSOMAL RECESSIVE. Last evaluated: 2020-08-13. Review status: no assertion criteria provided. Collection method: literature only. Allele origin: germline. Not counted in ClinVar's aggregate classification.

Neurogenetics, IRCCS Istituto delle Scienze Neurologiche di Bologna
Classification: Pathogenic for Optic atrophy. Review status: no assertion criteria provided. Collection method: research, in vitro. Allele origin: germline. Affected: yes. Observed: 11 variant alleles. Not counted in ClinVar's aggregate classification.
Comment: Optic Atrophy 12, OPA12

Literature cited by the submitters: PubMed 32219868 (cited by OMIM and Neurogenetics, IRCCS Istituto delle Scienze Neurologiche di Bologna).